The following is an entry in ClinVar:

ClinVar aggregate classification (germline): Benign/Likely benign. Review status: criteria provided, multiple submitters, no conflicts (2 of 4 stars). 5 submissions from 5 submitters: Benign (4); Likely benign (1). Last evaluated 2026-02-04.

Conditions:
Diamond-Blackfan anemia 12 (DBA12). Also called: RPL15-Related Diamond-Blackfan Anemia. Identifiers: Orphanet 124, MedGen C3809888, MONDO:0014245, OMIM 615550.

Allele frequency attached by ClinVar (database versions not stated): TOPMed 0.04374; gnomAD exomes 0.05731; ESP Exome Variant Server 0.03106; gnomAD 0.03804 and 0.04094; 1000 Genomes Project 30x 0.06621; ExAC 0.05469; 1000 Genomes Project 0.06909.
gnomAD v4.1: 70,729 of 1,612,252 alleles (4.4%); highest among the groups gnomAD compares: East Asian, 26%; 2,843 homozygotes.

Submissions (5):

Labcorp Genetics (formerly Invitae), Labcorp
Classification: Benign. Last evaluated: 2026-02-04. Review status: criteria provided, single submitter. Criteria: Invitae Variant Classification Sherloc (09022015). Collection method: clinical testing. Allele origin: germline.

ARUP Laboratories, Molecular Genetics and Genomics, ARUP Laboratories
Classification: Benign for Diamond-Blackfan anemia 12. Last evaluated: 2025-06-17. Review status: criteria provided, single submitter. Criteria: ARUP Molecular Germline Variant Investigation Process 2024. Collection method: clinical testing. Allele origin: germline.

Blueprint Genetics
Classification: Likely benign. Last evaluated: 2024-11-26. Review status: criteria provided, single submitter. Criteria: ACMG Guidelines, 2015. Collection method: clinical testing. Allele origin: germline.

GeneDx
Classification: Benign. Last evaluated: 2017-03-06. Review status: criteria provided, single submitter. Criteria: GeneDx Variant Classification (06012015). Collection method: clinical testing. Allele origin: germline. Affected: yes.
Comment: This variant is considered likely benign or benign based on one or more of the following criteria: it is a conservative change, it occurs at a poorly conserved position in the protein, it is predicted to be benign by multiple in silico algorithms, and/or has population frequency not consistent with disease.

Breakthrough Genomics
Classification: Benign. Review status: criteria provided, single submitter. Criteria: ACMG Guidelines, 2015. Collection method: not provided. Allele origin: germline. Inheritance: Autosomal dominant inheritance. Affected: yes.

NM_002948.5(RPL15):c.309+13G>C

Genes: NKIRAS1 (NFKB inhibitor interacting Ras like 1; minus strand), RPL15 (ribosomal protein L15; plus strand). Cytogenetic location: 3p24.2.
Variant type: single nucleotide variant.
Coding change: c.309+13G>C on transcript NM_002948.5 (MANE Select); 13 bases into the intron after coding-DNA position 309, G replaced by C.
Molecular consequence: intron variant.
Genome position (GRCh38, 1-based): chr3:23,918,589, G>C. VCF-style: chr3-23918589-G-C. GRCh37 (hg19) VCF-style: chr3-23960080-G-C.
Other names: c.-139-7139C>G (NM_001377380.1); c.309+13G>C (NM_001253384.2, NM_001253379.2, NM_001253380.2 and 2 more transcripts).
Identifiers: ClinVar variation 516587 (VCV000516587.51), dbSNP rs35054246, ClinGen allele CA2286492.